The following is an entry in ClinVar:

ClinVar aggregate classification (germline): Likely benign (1 of 4 stars; one submission).

Submission:

CeGaT Center for Human Genetics Tuebingen
Classification: Likely benign. Last evaluated: 2024-07-01. Review status: criteria provided, single submitter. Criteria: CeGaT Center For Human Genetics Tuebingen Variant Classification Criteria Version 2. Collection method: clinical testing. Allele origin: germline. Affected: yes. Observed: 1 variant allele.
Comment: MED12: PM2:Supporting, BP4, BP7

NM_005120.3(MED12):c.4191G>A (p.Gly1397=)

Gene: MED12 (mediator complex subunit 12; plus strand). Cytogenetic location: Xq13.1.
Variant type: single nucleotide variant.
Coding change: c.4191G>A on transcript NM_005120.3 (MANE Select); coding-DNA position 4191, G replaced by A.
Protein change: p.Gly1397=; no amino-acid change (glycine 1397 retained).
Molecular consequence: synonymous variant.
Genome position (GRCh38, 1-based): chrX:71,132,144, G>A. VCF-style: chrX-71132144-G-A. GRCh37 (hg19) VCF-style: chrX-70351994-G-A.
Identifiers: ClinVar variation 3257393 (VCV003257393.17).